The following is an entry in ClinVar:

NM_000548.5(TSC2):c.2098-5C>T

Gene: TSC2 (TSC complex subunit 2; plus strand). Cytogenetic location: 16p13.3.
Variant type: single nucleotide variant.
Coding change: c.2098-5C>T on transcript NM_000548.5 (MANE Select); 5 bases into the intron before coding-DNA position 2098, C replaced by T.
Molecular consequence: intron variant.
Genome position (GRCh38, 1-based): chr16:2,072,236, C>T. VCF-style: chr16-2072236-C-T. GRCh37 (hg19) VCF-style: chr16-2122237-C-T.
Other names: c.2098-5C>T (NM_001114382.3, NM_021055.3, NM_001370405.1 and 3 more transcripts); c.1987-5C>T (NM_001318827.2); c.1498-5C>T (NM_001318831.2); c.1951-5C>T (NM_001318829.2); c.2131-5C>T (NM_001318832.2).
Identifiers: ClinVar variation 237981 (VCV000237981.22), dbSNP rs369072310, ClinGen allele CA036644.

ClinVar aggregate classification (germline): Conflicting classifications of pathogenicity. Review status: criteria provided, conflicting classifications (1 of 4 stars). 7 submissions from 7 submitters: Uncertain significance (2); Likely benign (5). Last evaluated 2025-05-19.

Conditions:
Hereditary cancer-predisposing syndrome. Also called: Neoplastic Syndromes, Hereditary; Hereditary Cancer Syndrome; Tumor predisposition; Hereditary neoplastic syndrome. Identifiers: Orphanet 140162, MedGen C0027672, MeSH D009386, MONDO:0015356.
Tuberous sclerosis 2 (TSC2). Identifiers: Orphanet 805, MedGen C1860707, MONDO:0013199, OMIM 613254.

gnomAD v4.1: 21 of 1,613,876 alleles (0.0013%); highest among the groups gnomAD compares: East Asian, 0.0022%; no homozygotes.

Submissions (7):

Myriad Genetics, Inc.
Classification: Likely benign for Tuberous sclerosis 2. Last evaluated: 2025-05-19. Review status: criteria provided, single submitter. Criteria: Myriad Autosomal Dominant, Autosomal Recessive and X-Linked Classification Criteria (2023). Collection method: clinical testing. Allele origin: unknown.
Comment: This variant is considered likely benign. This variant is intronic and is not expected to impact mRNA splicing.

Labcorp Genetics (formerly Invitae), Labcorp
Classification: Likely benign for Tuberous sclerosis 2. Last evaluated: 2025-05-11. Review status: criteria provided, single submitter. Criteria: Invitae Variant Classification Sherloc (09022015). Collection method: clinical testing. Allele origin: germline.

Ambry Genetics
Classification: Uncertain significance for Hereditary cancer-predisposing syndrome. Last evaluated: 2024-05-13. Review status: criteria provided, single submitter. Criteria: Ambry Variant Classification Scheme 2023. Collection method: clinical testing. Allele origin: germline.
Comment: The c.2098-5C>T intronic variant results from a C to T substitution 5 nucleotides upstream from coding exon 19 in the TSC2 gene. This nucleotide position is poorly conserved in available vertebrate species. In silico splice site analysis predicts that this alteration will not have any significant effect on splicing; however, direct evidence is insufficient at this time (Ambry internal data). Based on the available evidence, the clinical significance of this variant remains unclear.

Blueprint Genetics
Classification: Likely benign. Last evaluated: 2024-05-08. Review status: criteria provided, single submitter. Criteria: ACMG Guidelines, 2015. Collection method: clinical testing. Allele origin: germline.

Genome-Nilou Lab
Classification: Likely benign for Tuberous sclerosis 2. Last evaluated: 2021-11-07. Review status: criteria provided, single submitter. Criteria: ACMG Guidelines, 2015. Collection method: clinical testing. Allele origin: germline. Affected: no.

Sema4
Classification: Uncertain significance for Hereditary cancer-predisposing syndrome. Last evaluated: 2021-05-07. Review status: criteria provided, single submitter. Criteria: Sema4 Curation Guidelines. Collection method: curation. Allele origin: germline.
Comment: The TSC2 c.2098-5C>T variant has not been reported in the literature to our knowledge. It was observed in 1/18390 chromosomes in the East Asian subpopulation in the large and broad cohorts of the Genome Aggregation Database (PMID: 32461654). The variant has been reported in ClinVar (Variation ID: 237981). In silico tools suggest the impact of the variant on protein splicing is benign, though these predictions have not been confirmed by functional studies. The evidence is insufficient to meet ACMG/AMP criteria for classifying the variant as benign or pathogenic. Thus, the clinical significance of this variant is currently uncertain.

GeneDx
Classification: Likely benign. Last evaluated: 2017-03-27. Review status: criteria provided, single submitter. Criteria: GeneDx Variant Classification (06012015). Collection method: clinical testing. Allele origin: germline. Affected: yes.
Comment: This variant is considered likely benign or benign based on one or more of the following criteria: it is a conservative change, it occurs at a poorly conserved position in the protein, it is predicted to be benign by multiple in silico algorithms, and/or has population frequency not consistent with disease.